The following is an entry in ClinVar:

ClinVar aggregate classification (germline): Uncertain significance. Review status: criteria provided, multiple submitters, no conflicts (2 of 4 stars). 2 submissions from 2 submitters: Uncertain significance (2). Last evaluated 2025-11-03.

Allele frequency attached by ClinVar (database versions not stated): gnomAD 0.00001; gnomAD exomes 0.00001 and 0.00002; TOPMed 0.00002; ExAC 0.00003.
gnomAD v4.1: 15 of 1,528,774 alleles (0.00098%); highest among the groups gnomAD compares: Admixed American, 0.0066%; no homozygotes.

Submissions (2):

Labcorp Genetics (formerly Invitae), Labcorp
Classification: Uncertain significance. Last evaluated: 2025-11-03. Review status: criteria provided, single submitter. Criteria: Invitae Variant Classification Sherloc (09022015). Collection method: clinical testing. Allele origin: germline.
Comment: This sequence change replaces arginine, which is basic and polar, with glutamine, which is neutral and polar, at codon 526 of the ZCCHC8 protein (p.Arg526Gln). This variant is present in population databases (rs777488485, gnomAD 0.005%). This variant has not been reported in the literature in individuals affected with ZCCHC8-related conditions. ClinVar contains an entry for this variant (Variation ID: 1377917). Invitae Evidence Modeling of protein sequence and biophysical properties (such as structural, functional, and spatial information, amino acid conservation, physicochemical variation, residue mobility, and thermodynamic stability) indicates that this missense variant is not expected to disrupt ZCCHC8 protein function with a negative predictive value of 80%. In summary, the available evidence is currently insufficient to determine the role of this variant in disease. Therefore, it has been classified as a Variant of Uncertain Significance.

Ambry Genetics
Classification: Uncertain significance. Last evaluated: 2022-04-08. Review status: criteria provided, single submitter. Criteria: Ambry Variant Classification Scheme 2023. Collection method: clinical testing. Allele origin: germline.

NM_017612.5(ZCCHC8):c.1577G>A (p.Arg526Gln)

Gene: ZCCHC8 (zinc finger CCHC-type containing 8; minus strand). Cytogenetic location: 12q24.31.
Variant type: single nucleotide variant.
Coding change: c.1577G>A on transcript NM_017612.5 (MANE Select); coding-DNA position 1577, G replaced by A.
Protein change: p.Arg526Gln; replaces arginine 526 with glutamine.
Molecular consequence: missense variant.
Genome position (GRCh38, 1-based): chr12:122,474,044, C>T on the plus strand (G>A on the coding strand, the complement: ZCCHC8 is on the minus strand). VCF-style: chr12-122474044-C-T. GRCh37 (hg19) VCF-style: chr12-122958591-C-T.
Other names: c.1346G>A, p.Arg449Gln (NM_001350935.2); c.1280G>A, p.Arg427Gln (NM_001350936.2); c.863G>A, p.Arg288Gln (NM_001350937.2, NM_001350938.2); c.1577G>A (NM_017612.3); short protein forms R449Q, R288Q, R427Q, R526Q.
Identifiers: ClinVar variation 1377917 (VCV001377917.9), dbSNP rs777488485, ClinGen allele CA6846137.